The following is an entry in ClinVar:

ClinVar aggregate classification (germline): Uncertain significance. Review status: criteria provided, multiple submitters, no conflicts (2 of 4 stars). 2 submissions from 2 submitters: Uncertain significance (2). Last evaluated 2025-12-09.

Conditions:
Cardiovascular phenotype. Identifiers: MedGen CN230736.
Long QT syndrome (LQTS). Identifiers: MedGen C0023976, MeSH D008133, MONDO:0002442. Disease mechanism: loss of function. Inheritance: Various modes of inheritance.

Allele frequency attached by ClinVar (database versions not stated): TOPMed 0.00001; gnomAD 0.00001; gnomAD exomes below 0.00001.
gnomAD v4.1: 2 of 1,585,946 alleles (0.00013%); highest among the groups gnomAD compares: Non-Finnish European, 0.00017%; no homozygotes.

Submissions (2):

Labcorp Genetics (formerly Invitae), Labcorp
Classification: Uncertain significance for Long QT syndrome. Last evaluated: 2025-12-09. Review status: criteria provided, single submitter. Criteria: Invitae Variant Classification Sherloc (09022015). Collection method: clinical testing. Allele origin: germline.
Comment: This sequence change replaces valine, which is neutral and non-polar, with leucine, which is neutral and non-polar, at codon 1804 of the CACNA1C protein (p.Val1804Leu). The frequency data for this variant in the population databases is considered unreliable, as metrics indicate poor data quality at this position in the gnomAD database. This variant has not been reported in the literature in individuals affected with CACNA1C-related conditions. ClinVar contains an entry for this variant (Variation ID: 2452658). Invitae Evidence Modeling of protein sequence and biophysical properties (such as structural, functional, and spatial information, amino acid conservation, physicochemical variation, residue mobility, and thermodynamic stability) indicates that this missense variant is not expected to disrupt CACNA1C protein function with a negative predictive value of 95%. In summary, the available evidence is currently insufficient to determine the role of this variant in disease. Therefore, it has been classified as a Variant of Uncertain Significance.

Ambry Genetics
Classification: Uncertain significance for Cardiovascular phenotype. Last evaluated: 2022-11-29. Review status: criteria provided, single submitter. Criteria: Ambry Variant Classification Scheme 2023. Collection method: clinical testing. Allele origin: germline.
Comment: The p.V1804L variant (also known as c.5410G>T), located in coding exon 42 of the CACNA1C gene, results from a G to T substitution at nucleotide position 5410. The valine at codon 1804 is replaced by leucine, an amino acid with highly similar properties. This amino acid position is not well conserved in available vertebrate species. In addition, this alteration is predicted to be tolerated by in silico analysis. Since supporting evidence is limited at this time, the clinical significance of this alteration remains unclear.

NM_000719.7(CACNA1C):c.5410G>T (p.Val1804Leu)

Genes: CACNA1C (calcium voltage-gated channel subunit alpha1 C; plus strand), CACNA1C-AS1 (CACNA1C antisense RNA 1; minus strand). Cytogenetic location: 12p13.33.
Variant type: single nucleotide variant.
Coding change: c.5410G>T on transcript NM_000719.7 (MANE Select); coding-DNA position 5410, G replaced by T.
Protein change: p.Val1804Leu; replaces valine 1804 with leucine.
Molecular consequence: missense variant.
Genome position (GRCh38, 1-based): chr12:2,679,762, G>T. VCF-style: chr12-2679762-G-T. GRCh37 (hg19) VCF-style: chr12-2788928-G-T.
Other names: c.5554G>T, p.Val1852Leu (NM_001129827.2, NM_199460.4); c.5533G>T, p.Val1845Leu (NM_001129829.2); c.5410G>T, p.Val1804Leu (NM_001129830.3, NM_001129840.2, NM_001129841.2 and 4 more transcripts); c.5494G>T, p.Val1832Leu (NM_001129831.2); c.5470G>T, p.Val1824Leu (NM_001129832.2); c.5467G>T, p.Val1823Leu (NM_001129833.2, NM_001129834.2, NM_001129835.2); c.5461G>T, p.Val1821Leu (NM_001129836.2); c.5434G>T, p.Val1812Leu (NM_001129837.2, NM_001129838.2); and 3 more; short protein forms V1804L, V1810L, V1812L, V1823L, V1824L, V1801L, V1845L, V1852L.
Identifiers: ClinVar variation 2452658 (VCV002452658.5), dbSNP rs986335601, ClinGen allele CA383379240.